The following is an entry in ClinVar:

NM_005677.4(COLQ):c.*365A>T

Gene: COLQ (collagen like tail subunit of asymmetric acetylcholinesterase; minus strand). Cytogenetic location: 3p25.1.
Variant type: single nucleotide variant.
Coding change: c.*365A>T on transcript NM_005677.4 (MANE Select); 365 bases downstream of the stop codon, A replaced by T.
Molecular consequence: 3 prime UTR variant.
Genome position (GRCh38, 1-based): chr3:15,451,279, T>A on the plus strand (A>T on the coding strand, the complement: COLQ is on the minus strand). VCF-style: chr3-15451279-T-A. GRCh37 (hg19) VCF-style: chr3-15492786-T-A.
Other names: c.*365A>T (NM_080538.2, NM_080539.4).
Identifiers: ClinVar variation 343839 (VCV000343839.6), dbSNP rs2278962, ClinGen allele CA10617528.

ClinVar aggregate classification (germline): Benign. Review status: criteria provided, multiple submitters, no conflicts (2 of 4 stars). 2 submissions from 2 submitters: Benign (2). Last evaluated 2018-01-13.

Conditions:
Congenital myasthenic syndrome 5. Identifiers: Orphanet 590, MedGen C1864233, MONDO:0011281, OMIM 603034.

Allele frequency attached by ClinVar (database versions not stated): gnomAD exomes 0.42439; gnomAD 0.44135 and 0.44285; TOPMed 0.45086; 1000 Genomes Project 0.45288; 1000 Genomes Project 30x 0.45597.
gnomAD v4.1: 154,255 of 356,538 alleles (43%); highest among the groups gnomAD compares: African/African-American, 49%; 33,768 homozygotes.

Submissions (2):

Illumina Laboratory Services, Illumina
Classification: Benign for Congenital myasthenic syndrome 5. Last evaluated: 2018-01-13. Review status: criteria provided, single submitter. Criteria: ICSL Variant Classification Criteria 13 December 2019. Collection method: clinical testing. Allele origin: germline.
Comment: This variant was observed in the ICSL laboratory as part of a predisposition screen in an ostensibly healthy population. It had not been previously curated by ICSL or reported in the Human Gene Mutation Database (HGMD: prior to June 1st, 2018), and was therefore a candidate for classification through an automated scoring system. Utilizing variant allele frequency, disease prevalence and penetrance estimates, and inheritance mode, an automated score was calculated to assess if this variant is too frequent to cause the disease. Based on the score and internal cut-off values, a variant classified as benign is not then subjected to further curation. The score for this variant resulted in a classification of benign for this disease.

Breakthrough Genomics
Classification: Benign. Review status: criteria provided, single submitter. Criteria: ACMG Guidelines, 2015. Collection method: not provided. Allele origin: germline. Inheritance: Autosomal recessive inheritance. Affected: yes.